The following is an entry in ClinVar:

ClinVar aggregate classification (germline): Conflicting classifications of pathogenicity. Review status: criteria provided, conflicting classifications (1 of 4 stars). 5 submissions from 5 submitters: Uncertain significance (3); Benign (1); Likely benign (1). Last evaluated 2025-12-18.

Conditions:
Retinoblastoma (RB1). Also called: RETINOBLASTOMA, SOMATIC. Identifiers: Orphanet 790, MedGen C0035335, MeSH D012175, MONDO:0008380, OMIM 180200, HP:0009919. Disease mechanism: loss of function. Inheritance: Both sporadic and heritable forms are tested..
Hereditary cancer-predisposing syndrome. Also called: Neoplastic Syndromes, Hereditary; Tumor predisposition; Hereditary Cancer Syndrome; Hereditary neoplastic syndrome. Identifiers: Orphanet 140162, MedGen C0027672, MeSH D009386, MONDO:0015356.
Malignant tumor of urinary bladder. Also called: Bladder cancer; Urinary bladder cancer; Urinary Bladder Neoplasms. Identifiers: MedGen C0005684, MONDO:0001187, OMIM 109800.

Allele frequency attached by ClinVar (database versions not stated): gnomAD exomes below 0.00001 and 0.00001; gnomAD 0.00001; TOPMed 0.00002.
gnomAD v4.1: 7 of 1,526,968 alleles (0.00046%); highest among the groups gnomAD compares: East Asian, 0.016%; no homozygotes.

Submissions (5):

Labcorp Genetics (formerly Invitae), Labcorp
Classification: Uncertain significance for Retinoblastoma. Last evaluated: 2025-12-18. Review status: criteria provided, single submitter. Criteria: Invitae Variant Classification Sherloc (09022015). Collection method: clinical testing. Allele origin: germline.
Comment: This sequence change falls in intron 12 of the RB1 gene. It does not directly change the encoded amino acid sequence of the RB1 protein. It affects a nucleotide within the consensus splice site. This variant is present in population databases (no rsID available, gnomAD 0.02%). This variant has not been reported in the literature in individuals affected with RB1-related conditions. ClinVar contains an entry for this variant (Variation ID: 527936). Variants that disrupt the consensus splice site are a relatively common cause of aberrant splicing (PMID: 17576681, 9536098). RNA analysis performed to evaluate the impact of this variant on mRNA splicing indicates it does not significantly alter splicing (internal data). In summary, the available evidence is currently insufficient to determine the role of this variant in disease. Therefore, it has been classified as a Variant of Uncertain Significance.

Color Diagnostics, LLC DBA Color Health
Classification: Benign for Retinoblastoma. Last evaluated: 2025-06-12. Review status: criteria provided, single submitter. Criteria: ACMG Guidelines, 2015. Collection method: clinical testing. Allele origin: germline.

GeneDx
Classification: Uncertain significance. Last evaluated: 2024-03-15. Review status: criteria provided, single submitter. Criteria: GeneDx Variant Classification Process June 2021. Collection method: clinical testing. Allele origin: germline. Affected: yes.
Comment: Not observed at significant frequency in large population cohorts (gnomAD); In silico analysis supports a deleterious effect on splicing; Has not been previously published as pathogenic or benign to our knowledge

Baylor Genetics
Classification: Uncertain significance for Malignant tumor of urinary bladder. Last evaluated: 2024-02-02. Review status: criteria provided, single submitter. Criteria: ACMG Guidelines, 2015. Collection method: clinical testing. Allele origin: unknown.

Ambry Genetics
Classification: Likely benign for Hereditary cancer-predisposing syndrome. Last evaluated: 2022-06-07. Review status: criteria provided, single submitter. Criteria: Ambry Variant Classification Scheme 2023. Collection method: clinical testing. Allele origin: germline.

Literature cited by the submitters: PubMed 17576681 (cited by Labcorp Genetics (formerly Invitae), Labcorp); PubMed 9536098 (cited by Labcorp Genetics (formerly Invitae), Labcorp).

NM_000321.3(RB1):c.1215+3A>G

Gene: RB1 (RB transcriptional corepressor 1; plus strand). Cytogenetic location: 13q14.2.
Variant type: single nucleotide variant.
Coding change: c.1215+3A>G on transcript NM_000321.3 (MANE Select); 3 bases into the intron after coding-DNA position 1215, A replaced by G.
Molecular consequence: intron variant.
Genome position (GRCh38, 1-based): chr13:48,373,495, A>G. VCF-style: chr13-48373495-A-G. GRCh37 (hg19) VCF-style: chr13-48947631-A-G.
Identifiers: ClinVar variation 527936 (VCV000527936.13), dbSNP rs1254191370, ClinGen allele CA609576776.